The following is an entry in ClinVar:

ClinVar aggregate classification (germline): Uncertain significance (1 of 4 stars; one submission).

Allele frequency attached by ClinVar (database versions not stated): gnomAD exomes below 0.00001; ExAC 0.00002; ESP Exome Variant Server 0.00008.
gnomAD v4.1: 13 of 1,608,392 alleles (0.00081%); highest among the groups gnomAD compares: African/African-American, 0.017%; no homozygotes.

Submission:

Labcorp Genetics (formerly Invitae), Labcorp
Classification: Uncertain significance. Last evaluated: 2024-09-22. Review status: criteria provided, single submitter. Criteria: Invitae Variant Classification Sherloc (09022015). Collection method: clinical testing. Allele origin: germline.
Comment: This sequence change replaces alanine, which is neutral and non-polar, with threonine, which is neutral and polar, at codon 286 of the ARHGEF1 protein (p.Ala286Thr). This variant is present in population databases (rs147557273, gnomAD 0.02%). This variant has not been reported in the literature in individuals affected with ARHGEF1-related conditions. ClinVar contains an entry for this variant (Variation ID: 1975749). An algorithm developed to predict the effect of missense changes on protein structure and function (PolyPhen-2) suggests that this variant is likely to be disruptive. In summary, the available evidence is currently insufficient to determine the role of this variant in disease. Therefore, it has been classified as a Variant of Uncertain Significance.

NM_004706.4(ARHGEF1):c.811G>A (p.Ala271Thr)

Gene: ARHGEF1 (Rho guanine nucleotide exchange factor 1; plus strand). Cytogenetic location: 19q13.2.
Variant type: single nucleotide variant.
Coding change: c.811G>A on transcript NM_004706.4 (MANE Select); coding-DNA position 811, G replaced by A.
Protein change: p.Ala271Thr; replaces alanine 271 with threonine.
Molecular consequence: missense variant. On other transcripts: non-coding transcript variant (2).
Genome position (GRCh38, 1-based): chr19:41,894,517, G>A. VCF-style: chr19-41894517-G-A. GRCh37 (hg19) VCF-style: chr19-42398590-G-A.
Other names: c.811G>A, p.Ala271Thr (NM_001396000.1, NM_001396003.1, NM_001396006.1); c.712G>A, p.Ala238Thr (NM_001396002.1, NM_001396004.1, NM_198977.2); c.856G>A, p.Ala286Thr (NM_199002.2); short protein forms A286T, A238T, A271T.
Identifiers: ClinVar variation 1975749 (VCV001975749.5), dbSNP rs147557273, ClinGen allele CA9466067.